The following is an entry in ClinVar:

NM_003839.4(TNFRSF11A):c.1436C>G (p.Pro479Arg)

Gene: TNFRSF11A (TNF receptor superfamily member 11a; plus strand). Cytogenetic location: 18q21.33.
Variant type: single nucleotide variant.
Coding change: c.1436C>G on transcript NM_003839.4 (MANE Select); coding-DNA position 1436, C replaced by G.
Protein change: p.Pro479Arg; replaces proline 479 with arginine.
Molecular consequence: missense variant. On other transcripts: intron variant (3).
Genome position (GRCh38, 1-based): chr18:62,369,353, C>G. VCF-style: chr18-62369353-C-G. GRCh37 (hg19) VCF-style: chr18-60036586-C-G.
Other names: c.1394C>G, p.Pro465Arg (NM_001278268.2); c.783+2593C>G (NM_001270949.2); c.730+7560C>G (NM_001270950.2); c.616+9304C>G (NM_001270951.2); short protein forms P465R, P479R.
Identifiers: ClinVar variation 2630332 (VCV002630332.1), dbSNP rs1463920572, ClinGen allele CA402617974.

ClinVar aggregate classification (germline): Uncertain significance (1 of 4 stars; one submission).

Conditions:
TNFRSF11A-related disorder. Also called: TNFRSF11A-related condition.

gnomAD v4.1: 17 of 1,610,162 alleles (0.0011%); highest among the groups gnomAD compares: Non-Finnish European, 0.0014%; no homozygotes.

Submission:

PreventionGenetics, part of Exact Sciences
Classification: Uncertain significance for TNFRSF11A-related condition. Last evaluated: 2023-09-13. Review status: criteria provided, single submitter. Criteria: ACMG Guidelines, 2015. Collection method: clinical testing. Allele origin: germline.
Comment: The TNFRSF11A c.1436C>G variant is predicted to result in the amino acid substitution p.Pro479Arg. To our knowledge, this variant has not been reported in the literature or in a large population database, indicating this variant is rare. At this time, the clinical significance of this variant is uncertain due to the absence of conclusive functional and genetic evidence.